The following is an entry in ClinVar:

NM_006129.5(BMP1):c.1522C>A (p.Arg508Ser)

Genes: BMP1 (bone morphogenetic protein 1; plus strand), LOC113788269 (BRD4-independent group 4 enhancer GRCh37_chr8:22052064-22053263; plus strand). Cytogenetic location: 8p21.3.
Variant type: single nucleotide variant.
Coding change: c.1522C>A on transcript NM_006129.5 (MANE Select); coding-DNA position 1522, C replaced by A.
Protein change: p.Arg508Ser; replaces arginine 508 with serine.
Molecular consequence: missense variant. On other transcripts: non-coding transcript variant (2).
Genome position (GRCh38, 1-based): chr8:22,194,802, C>A. VCF-style: chr8-22194802-C-A. GRCh37 (hg19) VCF-style: chr8-22052315-C-A.
Other names: c.1522C>A, p.Arg508Ser (NM_001199.4); short protein forms R508S.
Identifiers: ClinVar variation 1430899 (VCV001430899.8), dbSNP rs376781195, ClinGen allele CA370494274.

ClinVar aggregate classification (germline): Uncertain significance (1 of 4 stars; one submission).

Submission:

Labcorp Genetics (formerly Invitae), Labcorp
Classification: Uncertain significance. Last evaluated: 2022-11-08. Review status: criteria provided, single submitter. Criteria: Invitae Variant Classification Sherloc (09022015). Collection method: clinical testing. Allele origin: germline.
Comment: In summary, the available evidence is currently insufficient to determine the role of this variant in disease. Therefore, it has been classified as a Variant of Uncertain Significance. Advanced modeling of protein sequence and biophysical properties (such as structural, functional, and spatial information, amino acid conservation, physicochemical variation, residue mobility, and thermodynamic stability) performed at Invitae indicates that this missense variant is not expected to disrupt BMP1 protein function. ClinVar contains an entry for this variant (Variation ID: 1430899). This variant has not been reported in the literature in individuals affected with BMP1-related conditions. This variant is not present in population databases (gnomAD no frequency). This sequence change replaces arginine, which is basic and polar, with serine, which is neutral and polar, at codon 508 of the BMP1 protein (p.Arg508Ser).